The following is an entry in ClinVar:

NM_152296.5(ATP1A3):c.1930C>T (p.Gln644Ter)

Gene: ATP1A3 (ATPase Na+/K+ transporting subunit alpha 3; minus strand). Cytogenetic location: 19q13.2.
Variant type: single nucleotide variant.
Coding change: c.1930C>T on transcript NM_152296.5 (MANE Select); coding-DNA position 1930, C replaced by T.
Protein change: p.Gln644Ter; replaces glutamine 644 with a stop codon.
Molecular consequence: nonsense.
Genome position (GRCh38, 1-based): chr19:41,977,949, G>A on the plus strand (C>T on the coding strand, the complement: ATP1A3 is on the minus strand). VCF-style: chr19-41977949-G-A. GRCh37 (hg19) VCF-style: chr19-42482101-G-A.
Other names: c.1963C>T, p.Gln655Ter (NM_001256213.2); c.1969C>T, p.Gln657Ter (NM_001256214.2); c.1930C>T (NM_152296.3); short protein forms Q644*, Q655*, Q657*.
Identifiers: ClinVar variation 944204 (VCV000944204.9), dbSNP rs1555861946, ClinGen allele CA406044833.

ClinVar aggregate classification (germline): Conflicting classifications of pathogenicity. Review status: criteria provided, conflicting classifications (1 of 4 stars). 3 submissions from 3 submitters: Pathogenic (1); Uncertain significance (2). Last evaluated 2024-09-03.

Conditions:
Inborn genetic diseases. Identifiers: MedGen C0950123, MeSH D030342.
Dystonia 12 (DYT12). Also called: DYT-ATP1A3; Rapid-Onset Dystonia-Parkinsonism (RDP). Identifiers: Orphanet 71517, MedGen C1868681, MONDO:0007496, OMIM 128235.

Submissions (3):

Ambry Genetics
Classification: Uncertain significance for Inborn genetic diseases. Last evaluated: 2024-09-03. Review status: criteria provided, single submitter. Criteria: Ambry Variant Classification Scheme 2023. Collection method: clinical testing. Allele origin: germline.
Comment: The c.1930C>T (p.Q644*) alteration, located in exon 14 (coding exon 14) of the ATP1A3 gene, consists of a C to T substitution at nucleotide position 1930. This changes the amino acid from a glutamine (Q) to a stop codon at amino acid position 644. This alteration is expected to result in premature protein truncation or nonsense-mediated mRNA decay. However, loss of function of ATP1A3 has not been established as a mechanism of disease. This variant was not reported in population-based cohorts in the Genome Aggregation Database (gnomAD). Based on insufficient or conflicting evidence, the clinical significance of this alteration remains unclear.

Revvity Omics, Revvity
Classification: Uncertain significance. Last evaluated: 2024-01-09. Review status: criteria provided, single submitter. Criteria: ACMG Guidelines, 2015. Collection method: clinical testing. Allele origin: germline.

Labcorp Genetics (formerly Invitae), Labcorp
Classification: Pathogenic for Dystonia 12. Last evaluated: 2021-11-01. Review status: criteria provided, single submitter. Criteria: Invitae Variant Classification Sherloc (09022015). Collection method: clinical testing. Allele origin: germline.
Comment: For these reasons, this variant has been classified as Pathogenic. ClinVar contains an entry for this variant (Variation ID: 944204). This variant has not been reported in the literature in individuals affected with ATP1A3-related conditions. This variant is not present in population databases (gnomAD no frequency). This sequence change creates a premature translational stop signal (p.Gln644*) in the ATP1A3 gene. It is expected to result in an absent or disrupted protein product. Loss-of-function variants in ATP1A3 are known to be pathogenic (PMID: 24983657, 24631656).

Literature cited by the submitters: PubMed 24983657 (cited by Labcorp Genetics (formerly Invitae), Labcorp); PubMed 24631656 (cited by Labcorp Genetics (formerly Invitae), Labcorp).